The following is an entry in ClinVar:

NM_001276345.2(TNNT2):c.612A>G (p.Thr204=)

Gene: TNNT2 (troponin T2, cardiac type; minus strand). Cytogenetic location: 1q32.1.
Variant type: single nucleotide variant.
Coding change: c.612A>G on transcript NM_001276345.2 (MANE Select); coding-DNA position 612, A replaced by G.
Protein change: p.Thr204=; no amino-acid change (threonine 204 retained).
Molecular consequence: synonymous variant.
Genome position (GRCh38, 1-based): chr1:201,362,020, T>C on the plus strand (A>G on the coding strand, the complement: TNNT2 is on the minus strand). VCF-style: chr1-201362020-T-C. GRCh37 (hg19) VCF-style: chr1-201331148-T-C.
Other names: c.603A>G, p.Thr201= (NM_000364.4, NM_001406723.1); c.582A>G, p.Thr194= (NM_001001430.3, NM_001276347.2, NM_001406724.1); c.573A>G, p.Thr191= (NM_001001431.3, NM_001406726.1, NM_001406727.1); c.564A>G, p.Thr188= (NM_001001432.3); c.483A>G, p.Thr161= (NM_001276346.2); c.579A>G, p.Thr193= (NM_001406725.1); c.567A>G, p.Thr189= (NM_001406728.1).
Identifiers: ClinVar variation 2774634 (VCV002774634.3), dbSNP rs1198625873, ClinGen allele CA422529908.

ClinVar aggregate classification (germline): Likely benign. Review status: criteria provided, multiple submitters, no conflicts (2 of 4 stars). 2 submissions from 2 submitters: Likely benign (2). Last evaluated 2024-02-05.

Conditions:
Cardiomyopathy (CMYO). Also called: Cardiomyopathies. Identifiers: Orphanet 167848, MedGen C0878544, MONDO:0004994, HP:0001638. Inheritance: Various modes of inheritance.

Submissions (2):

All of Us Research Program, National Institutes of Health
Classification: Likely benign for Cardiomyopathy. Last evaluated: 2024-02-05. Review status: criteria provided, single submitter. Criteria: ACMG Guidelines, 2015. Collection method: clinical testing. Allele origin: germline. Inheritance: Autosomal dominant inheritance. Observed: 1 variant allele, 1 heterozygote.
Comment: This study involves interpretation of variants in research participants for the purpose of population health screening. Participant phenotype was not available at the time of variant classification. Additional details can be found in publication PMID: 35346344, PMCID: PMC8962531

Color Diagnostics, LLC DBA Color Health
Classification: Likely benign for Cardiomyopathy. Last evaluated: 2021-12-16. Review status: criteria provided, single submitter. Criteria: ACMG Guidelines, 2015. Collection method: clinical testing. Allele origin: germline.